The following is an entry in ClinVar:

ClinVar aggregate classification (germline): Conflicting classifications of pathogenicity. Review status: criteria provided, conflicting classifications (1 of 4 stars). 3 submissions from 3 submitters: Likely pathogenic (2); Uncertain significance (1). Last evaluated 2026-05-20.

Conditions:
Alport syndrome 3b, autosomal recessive. Identifiers: MedGen C5882699, MONDO:0957811, OMIM 620536.
Inborn genetic diseases. Identifiers: MedGen C0950123, MeSH D030342.
Autosomal dominant Alport syndrome (ATS3A). Also called: Alport syndrome dominant type; Renal failure and sensorineural hearing loss; ALPORT SYNDROME 3A, AUTOSOMAL DOMINANT. Identifiers: Orphanet 63, Orphanet 88918, MedGen C5882663, MONDO:0007086, OMIM 104200.

Submissions (3):

Ambry Genetics
Classification: Uncertain significance for Inborn genetic diseases. Last evaluated: 2026-05-20. Review status: criteria provided, single submitter. Criteria: Ambry Variant Classification Scheme 2023. Collection method: clinical testing. Allele origin: germline.

3billion
Classification: Likely pathogenic for Alport syndrome 3b, autosomal recessive. Last evaluated: 2026-01-19. Review status: criteria provided, single submitter. Criteria: ACMG Guidelines, 2015. Collection method: clinical testing. Allele origin: germline. Affected: yes.
Comment: The variant is observed at an extremely low frequency in the gnomAD v4.1.0 dataset (total allele frequency: <0.001%). Predicted Consequence/Location: Missense variant In silico tool predictions suggest damaging effect of the variant on gene or gene product [REVEL: 0.87 (>=0.6, sensitivity 0.68 and specificity 0.92); 3Cnet: 0.97 (> 0.75, sensitivity 0.96 and precision 0.92)]. The same nucleotide change resulting in the same amino acid change has been previously reported as pathogenic/likely pathogenic with strong evidence (ClinVar ID: VCV003256617 /3billion dataset). Different missense changes at the same codon (p.Gly219Ala, p.Gly219Asp, p.Gly219Val) have been reported as pathogenic/likely pathogenic with strong evidence (ClinVar ID: VCV001179076, VCV002692346 /PMID: 35325889, 39810285). Therefore, this variant is classified as Likely pathogenic according to the recommendation of ACMG/AMP guideline.

MVZ Medizinische Genetik Mainz
Classification: Likely pathogenic for Autosomal dominant Alport syndrome. Last evaluated: 2024-06-28. Review status: criteria provided, single submitter. Criteria: UK Practice Guidelines For Variant Classification V4 01 2020. Collection method: clinical testing. Allele origin: germline. Inheritance: Autosomal dominant inheritance. Affected: yes. Observed: 1 variant allele.
Comment: ACMG Criteria: PM1_STR,PM2_SUP,PM5_SUP,PP3

Literature cited by the submitters: PubMed 35325889 (cited by 3billion).

NM_000091.5(COL4A3):c.655G>T (p.Gly219Cys)

Genes: COL4A3 (collagen type IV alpha 3 chain; plus strand), MFF-DT (MFF divergent transcript; minus strand). Cytogenetic location: 2q36.3.
Variant type: single nucleotide variant.
Coding change: c.655G>T on transcript NM_000091.5 (MANE Select); coding-DNA position 655, G replaced by T.
Protein change: p.Gly219Cys; replaces glycine 219 with cysteine.
Molecular consequence: missense variant.
Genome position (GRCh38, 1-based): chr2:227,253,305, G>T. VCF-style: chr2-227253305-G-T. GRCh37 (hg19) VCF-style: chr2-228118021-G-T.
Other names: short protein forms G219C.
Identifiers: ClinVar variation 3256617 (VCV003256617.6).